The following is an entry in ClinVar:

ClinVar aggregate classification (germline): Uncertain significance (1 of 4 stars; one submission).

Allele frequency attached by ClinVar (database versions not stated): gnomAD 0.00001; gnomAD exomes 0.00002 and 0.00003; TOPMed 0.00002; ExAC 0.00004.
gnomAD v4.1: 49 of 1,604,980 alleles (0.0031%); highest among the groups gnomAD compares: Middle Eastern, 0.017%; no homozygotes.

Submission:

Labcorp Genetics (formerly Invitae), Labcorp
Classification: Uncertain significance. Last evaluated: 2022-08-09. Review status: criteria provided, single submitter. Criteria: Invitae Variant Classification Sherloc (09022015). Collection method: clinical testing. Allele origin: germline.
Comment: In summary, the available evidence is currently insufficient to determine the role of this variant in disease. Therefore, it has been classified as a Variant of Uncertain Significance. Algorithms developed to predict the effect of missense changes on protein structure and function (SIFT, PolyPhen-2, Align-GVGD) all suggest that this variant is likely to be disruptive. ClinVar contains an entry for this variant (Variation ID: 1484552). This missense change has been observed in individual(s) with clinical features of NANS-related conditions (PMID: 34582790). This variant is present in population databases (rs775287975, gnomAD 0.005%). This sequence change replaces isoleucine, which is neutral and non-polar, with threonine, which is neutral and polar, at codon 212 of the NANS protein (p.Ile212Thr).

Literature cited by the submitters: PubMed 34582790.

NM_018946.4(NANS):c.635T>C (p.Ile212Thr)

Genes: NANS (N-acetylneuraminate synthase; plus strand), TRIM14 (tripartite motif containing 14; minus strand). Cytogenetic location: 9q22.33.
Variant type: single nucleotide variant.
Coding change: c.635T>C on transcript NM_018946.4 (MANE Select); coding-DNA position 635, T replaced by C.
Protein change: p.Ile212Thr; replaces isoleucine 212 with threonine.
Molecular consequence: missense variant.
Genome position (GRCh38, 1-based): chr9:98,080,847, T>C. VCF-style: chr9-98080847-T-C. GRCh37 (hg19) VCF-style: chr9-100843129-T-C.
Other names: short protein forms I212T.
Identifiers: ClinVar variation 1484552 (VCV001484552.4), dbSNP rs775287975, ClinGen allele CA5150355.